The following is an entry in ClinVar:

NC_000017.10:g.(?_33445500)_(33446632_?)del

Gene: RAD51D (RAD51 paralog D; minus strand). Cytogenetic location: 17q12.
Variant type: Deletion.
Identifiers: ClinVar variation 3243095 (VCV003243095.1).

ClinVar aggregate classification (germline): Pathogenic (1 of 4 stars; one submission).

Conditions:
Breast-ovarian cancer, familial, susceptibility to, 4. Identifiers: Orphanet 145, MedGen C3280345, MONDO:0013669, OMIM 614291.

Submission:

Labcorp Genetics (formerly Invitae), Labcorp
Classification: Pathogenic for Breast-ovarian cancer, familial, susceptibility to, 4. Last evaluated: 2024-01-08. Review status: criteria provided, single submitter. Criteria: Invitae Variant Classification Sherloc (09022015). Collection method: clinical testing. Allele origin: unknown.
Comment: This variant is a gross deletion of the genomic region encompassing exon(s) 1-3 of the RAD51D gene, which includes the initiator codon. This deletion extends beyond the assayed region for this gene and therefore may encompass additional genes. It is expected to result in an absent or disrupted protein product. Loss-of-function variants in RAD51D are known to be pathogenic (PMID: 21822267). This variant has not been reported in the literature in individuals affected with RAD51D-related conditions. For these reasons, this variant has been classified as Pathogenic.

Literature cited by the submitters: PubMed 21822267.